The following is an entry in ClinVar:

NM_001378778.1(MPDZ):c.3056-2A>G

Gene: MPDZ (multiple PDZ domain crumbs cell polarity complex component; minus strand). Cytogenetic location: 9p23.
Variant type: single nucleotide variant.
Coding change: c.3056-2A>G on transcript NM_001378778.1 (MANE Select); the canonical splice acceptor site of the intron before coding-DNA position 3056, A replaced by G.
Molecular consequence: splice acceptor variant.
Genome position (GRCh38, 1-based): chr9:13,168,566, T>C on the plus strand (A>G on the coding strand, the complement: MPDZ is on the minus strand). VCF-style: chr9-13168566-T-C. GRCh37 (hg19) VCF-style: chr9-13168565-T-C.
Other names: c.3056-2A>G (NM_001375425.1, NM_001375420.1, NM_001375419.1 and 14 more transcripts).
Identifiers: ClinVar variation 2995175 (VCV002995175.3), dbSNP rs767539728, ClinGen allele CA4987272.
Genomic context (GRCh38, chr9:13,168,566, plus strand): 5'-ATGAATAATGCTTCGAACGATCATCCCCAAGCCATCTTTATTAGCACTAACTGTCATTCC[T>C]ACAGGAAAAGAGAAATGCAAATATAATTAAATACATGATTTTTCAATTCATTTTAATTTG-3'

ClinVar aggregate classification (germline): Likely pathogenic (1 of 4 stars; one submission).

Allele frequency attached by ClinVar (database versions not stated): gnomAD exomes below 0.00001; ExAC 0.00002; gnomAD 0.00003; TOPMed 0.00003.
gnomAD v4.1: 6 of 1,557,010 alleles (0.00039%); highest among the groups gnomAD compares: African/African-American, 0.0069%; no homozygotes.

Submission:

Labcorp Genetics (formerly Invitae), Labcorp
Classification: Likely pathogenic. Last evaluated: 2022-12-04. Review status: criteria provided, single submitter. Criteria: Invitae Variant Classification Sherloc (09022015). Collection method: clinical testing. Allele origin: germline.
Comment: In summary, the currently available evidence indicates that the variant is pathogenic, but additional data are needed to prove that conclusively. Therefore, this variant has been classified as Likely Pathogenic. Algorithms developed to predict the effect of sequence changes on RNA splicing suggest that this variant may disrupt the consensus splice site. This variant has not been reported in the literature in individuals affected with MPDZ-related conditions. This variant is present in population databases (rs767539728, gnomAD 0.01%). This sequence change affects an acceptor splice site in intron 21 of the MPDZ gene. It is expected to disrupt RNA splicing. Variants that disrupt the donor or acceptor splice site typically lead to a loss of protein function (PMID: 16199547), and loss-of-function variants in MPDZ are known to be pathogenic (PMID: 23240096, 28556411).

Literature cited by the submitters: PubMed 16199547; PubMed 23240096; PubMed 28556411.